The following is an entry in ClinVar:

NM_006440.5(TXNRD2):c.592-2_602del

Gene: TXNRD2 (thioredoxin reductase 2; minus strand). Cytogenetic location: 22q11.21.
Variant type: Deletion.
Coding change: c.592-2_602del on transcript NM_006440.5 (MANE Select); the canonical splice acceptor site of the intron before coding-DNA position 592 through coding-DNA position 602, 13 bases deleted (AGATCGAAGGTGC).
Molecular consequence: splice acceptor variant.
Genome position (GRCh38, 1-based): chr22:19,911,437-19,911,449, GCACCTTCGATCT deleted on the plus strand (AGATCGAAGGTGC on the coding strand, the reverse complement: TXNRD2 is on the minus strand); deleting any 13 consecutive bases within chr22:19,911,437-19,911,450 gives the same sequence; the c. name uses the placement nearest the transcript's 3' end. VCF-style (leftmost placement, unchanged base first): chr22-19911436-GGCACCTTCGATCT-G. GRCh37 (hg19) VCF-style: chr22-19898959-GGCACCTTCGATCT-G.
Other names: c.589-2_599del (NM_001352300.2); c.304-2_314del (NM_001352302.2); c.502-2_512del (NM_001352301.2); c.592-2_602del (NM_001282512.3); c.496-2_506del (NM_001352303.2); c.592-2_602del13 (NM_006440.3).
Identifiers: ClinVar variation 2956131 (VCV002956131.4), dbSNP rs1346246087, ClinGen allele CA751490378.

ClinVar aggregate classification (germline): Uncertain significance. Review status: criteria provided, multiple submitters, no conflicts (2 of 4 stars). 2 submissions from 2 submitters: Uncertain significance (2). Last evaluated 2025-06-16.

Conditions:
Cardiovascular phenotype. Identifiers: MedGen CN230736.
Primary dilated cardiomyopathy (DCM). Also called: Dilated Cardiomyopathy. Identifiers: Orphanet 217604, MedGen C0007193, MeSH D002311, MONDO:0005021, HP:0001644. Inheritance: Various modes of inheritance.

Submissions (2):

Ambry Genetics
Classification: Uncertain significance for Cardiovascular phenotype. Last evaluated: 2025-06-16. Review status: criteria provided, single submitter. Criteria: Ambry Variant Classification Scheme 2023. Collection method: clinical testing. Allele origin: germline.
Comment: The c.592-2_602del13 variant results from a deletion of 13 nucleotides between positions c.592-2 and c.602 and involves the canonical splice acceptor site before coding exon 8 of the TXNRD2 gene. The canonical splice acceptor site is highly conserved in available vertebrate species. In silico splice site analysis predicts that this alteration will weaken the native splice acceptor site. Alterations that disrupt the canonical splice site are expected to cause aberrant splicing, resulting in an abnormal protein or a transcript that is subject to nonsense-mediated mRNA decay. However, loss of function of TXNRD2 has not been established as a mechanism of disease. The evidence for this gene-disease relationship is limited; therefore, the clinical significance of this alteration is unclear.

Labcorp Genetics (formerly Invitae), Labcorp
Classification: Uncertain significance for Primary dilated cardiomyopathy. Last evaluated: 2023-06-17. Review status: criteria provided, single submitter. Criteria: Invitae Variant Classification Sherloc (09022015). Collection method: clinical testing. Allele origin: germline.
Comment: In summary, the available evidence is currently insufficient to determine the role of this variant in disease. Therefore, it has been classified as a Variant of Uncertain Significance. Algorithms developed to predict the effect of sequence changes on RNA splicing suggest that this variant may disrupt the consensus splice site. This variant has not been reported in the literature in individuals affected with TXNRD2-related conditions. This variant is not present in population databases (gnomAD no frequency). This variant results in the deletion of part of exon 8 (c.592-2_602del) of the TXNRD2 gene. It is expected to disrupt RNA splicing. Variants that disrupt the donor or acceptor splice site typically lead to a loss of protein function (PMID: 16199547), however the current clinical and genetic evidence is not sufficient to establish whether loss-of-function variants in TXNRD2 cause disease.

Literature cited by the submitters: PubMed 16199547 (cited by Labcorp Genetics (formerly Invitae), Labcorp).